The following is an entry in ClinVar:

ClinVar aggregate classification (germline): Uncertain significance (1 of 4 stars; one submission).

Submission:

Ambry Genetics
Classification: Uncertain significance. Last evaluated: 2025-11-01. Review status: criteria provided, single submitter. Criteria: Ambry Variant Classification Scheme 2023. Collection method: clinical testing. Allele origin: germline.
Comment: The p.K988R variant (also known as c.2963A>G), located in coding exon 1 of the TET2 gene, results from an A to G substitution at nucleotide position 2963. The lysine at codon 988 is replaced by arginine, an amino acid with highly similar properties. This amino acid position is conserved. In addition, this alteration is predicted to be tolerated by in silico analysis. Based on the available evidence, the clinical significance of this variant remains unclear.

NM_001127208.3(TET2):c.2963A>G (p.Lys988Arg)

Genes: TET2 (tet methylcytosine dioxygenase 2; plus strand), TET2-AS1 (TET2 antisense RNA 1; minus strand). Cytogenetic location: 4q24.
Variant type: single nucleotide variant.
Coding change: c.2963A>G on transcript NM_001127208.3 (MANE Select); coding-DNA position 2963, A replaced by G.
Protein change: p.Lys988Arg; replaces lysine 988 with arginine.
Molecular consequence: missense variant.
Genome position (GRCh38, 1-based): chr4:105,236,905, A>G. VCF-style: chr4-105236905-A-G. GRCh37 (hg19) VCF-style: chr4-106158062-A-G.
Other names: c.2963A>G, p.Lys988Arg (NM_017628.4); short protein forms K988R.
Identifiers: ClinVar variation 4594181 (VCV004594181.1).